The following is an entry in ClinVar:

NM_001035.3(RYR2):c.8154A>G (p.Glu2718=)

Gene: RYR2 (ryanodine receptor 2; plus strand). Cytogenetic location: 1q43.
Variant type: single nucleotide variant.
Coding change: c.8154A>G on transcript NM_001035.3 (MANE Select); coding-DNA position 8154, A replaced by G.
Protein change: p.Glu2718=; no amino-acid change (glutamic acid 2718 retained).
Molecular consequence: synonymous variant.
Genome position (GRCh38, 1-based): chr1:237,657,968, A>G. VCF-style: chr1-237657968-A-G. GRCh37 (hg19) VCF-style: chr1-237821268-A-G.
Identifiers: ClinVar variation 3385788 (VCV003385788.3).

ClinVar aggregate classification (germline): Likely benign. Review status: criteria provided, multiple submitters, no conflicts (2 of 4 stars). 2 submissions from 2 submitters: Likely benign (2). Last evaluated 2024-10-19.

Conditions:
Catecholaminergic polymorphic ventricular tachycardia (CVPT). Also called: Catecholamine-induced polymorphic ventricular tachycardia. Identifiers: Orphanet 3286, MedGen C5574922, MONDO:0017990.
Catecholaminergic polymorphic ventricular tachycardia 1. Also called: VENTRICULAR TACHYCARDIA, CATECHOLAMINERGIC POLYMORPHIC, 1, WITH OR WITHOUT ATRIAL DYSFUNCTION AND/OR DILATED CARDIOMYOPATHY; VENTRICULAR TACHYCARDIA, STRESS-INDUCED POLYMORPHIC 1; RYR2-Related Catecholaminergic Polymorphic Ventricular Tachycardia. Identifiers: Orphanet 3286, MedGen C1631597, MONDO:0011484, OMIM 604772.

gnomAD v4.1: 3 of 1,517,930 alleles (0.0002%); highest among the groups gnomAD compares: African/African-American, 0.0014%; no homozygotes.

Submissions (2):

Labcorp Genetics (formerly Invitae), Labcorp
Classification: Likely benign for Catecholaminergic polymorphic ventricular tachycardia 1. Last evaluated: 2024-10-19. Review status: criteria provided, single submitter. Criteria: Invitae Variant Classification Sherloc (09022015). Collection method: clinical testing. Allele origin: germline.

All of Us Research Program, National Institutes of Health
Classification: Likely benign for Catecholaminergic polymorphic ventricular tachycardia. Last evaluated: 2024-04-25. Review status: criteria provided, single submitter. Criteria: ACMG Guidelines, 2015. Collection method: clinical testing. Allele origin: germline. Inheritance: Autosomal dominant inheritance. Observed: 1 variant allele, 1 heterozygote.
Comment: This study involves interpretation of variants in research participants for the purpose of population health screening. Participant phenotype was not available at the time of variant classification. Additional details can be found in publication PMID: 35346344, PMCID: PMC8962531